The following is an entry in ClinVar:

NM_002900.3(RBP3):c.2624G>A (p.Gly875Asp)

Gene: RBP3 (retinol binding protein 3; plus strand). Cytogenetic location: 10q11.22.
Variant type: single nucleotide variant.
Coding change: c.2624G>A on transcript NM_002900.3 (MANE Select); coding-DNA position 2624, G replaced by A.
Protein change: p.Gly875Asp; replaces glycine 875 with aspartic acid.
Molecular consequence: missense variant.
Genome position (GRCh38, 1-based): chr10:47,351,108, G>A. VCF-style: chr10-47351108-G-A. GRCh37 (hg19) VCF-style: chr10-48388254-C-T.
Other names: short protein forms G875D.
Identifiers: ClinVar variation 1016046 (VCV001016046.8), dbSNP rs1555211504, ClinGen allele CA376674003.

ClinVar aggregate classification (germline): Uncertain significance (1 of 4 stars; one submission).

Allele frequency attached by ClinVar (database versions not stated): gnomAD exomes below 0.00001.
gnomAD v4.1: 1 of 1,612,776 alleles (0.000062%); highest among the groups gnomAD compares: South Asian, 0.0011%; no homozygotes.

Submission:

Labcorp Genetics (formerly Invitae), Labcorp
Classification: Uncertain significance. Last evaluated: 2024-01-02. Review status: criteria provided, single submitter. Criteria: Invitae Variant Classification Sherloc (09022015). Collection method: clinical testing. Allele origin: germline.
Comment: This sequence change replaces glycine, which is neutral and non-polar, with aspartic acid, which is acidic and polar, at codon 875 of the RBP3 protein (p.Gly875Asp). This variant is present in population databases (no rsID available, gnomAD 0.003%). This variant has not been reported in the literature in individuals affected with RBP3-related conditions. ClinVar contains an entry for this variant (Variation ID: 1016046). An algorithm developed to predict the effect of missense changes on protein structure and function (PolyPhen-2) suggests that this variant is likely to be disruptive. In summary, the available evidence is currently insufficient to determine the role of this variant in disease. Therefore, it has been classified as a Variant of Uncertain Significance.